The following is an entry in ClinVar:

ClinVar aggregate classification (germline): Uncertain significance (1 of 4 stars; one submission).

Conditions:
Hereditary cancer-predisposing syndrome. Also called: Neoplastic Syndromes, Hereditary; Tumor predisposition; Hereditary Cancer Syndrome; Hereditary neoplastic syndrome. Identifiers: Orphanet 140162, MedGen C0027672, MeSH D009386, MONDO:0015356.

Submission:

Ambry Genetics
Classification: Uncertain significance for Hereditary cancer-predisposing syndrome. Last evaluated: 2025-09-12. Review status: criteria provided, single submitter. Criteria: Ambry Variant Classification Scheme 2023. Collection method: clinical testing. Allele origin: germline.
Comment: The p.H1398L variant (also known as c.4193A>T), located in coding exon 29 of the SMARCA4 gene, results from an A to T substitution at nucleotide position 4193. The histidine at codon 1398 is replaced by leucine, an amino acid with similar properties. This amino acid position is conserved. In addition, this alteration is predicted to be tolerated by in silico analysis. Based on the available evidence, the clinical significance of this variant remains unclear.

NM_001387283.1(SMARCA4):c.4193A>T (p.His1398Leu)

Gene: SMARCA4 (SWI/SNF related BAF chromatin remodeling complex subunit ATPase 4; plus strand). Cytogenetic location: 19p13.2.
Variant type: single nucleotide variant.
Coding change: c.4193A>T on transcript NM_001387283.1 (MANE Plus Clinical); coding-DNA position 4193, A replaced by T.
Protein change: p.His1398Leu; replaces histidine 1398 with leucine.
Molecular consequence: missense variant. On other transcripts: intron variant (7).
Genome position (GRCh38, 1-based): chr19:11,039,480, A>T. VCF-style: chr19-11039480-A-T. GRCh37 (hg19) VCF-style: chr19-11150156-A-T.
Other names: c.4193A>T, p.His1398Leu (NM_001128849.3); c.4094A>T, p.His1365Leu (NM_001411150.1); c.4171-1827A>T (NM_001128844.3, NM_003072.5); c.4072-1827A>T (NM_001128847.4, NM_001374457.1, NM_001128848.2); c.4072-1818A>T (NM_001128845.2, NM_001128846.2); short protein forms H1398L, H1365L.
Identifiers: ClinVar variation 4170191 (VCV004170191.1).
Genomic context (GRCh38, chr19:11,039,480, plus strand): 5'-CTGAAACACTAAACAGACATTAAAAAATTTTGTTGTAGAAAATTACAGGAAAAGATATCC[A>T]TGACACAGCCAGCAGTGTGGCACGTGGGCTACAATTCCAGCGTGGCCTTCAGTTCTGCAC-3'
Protein context (NP_001374212.1, residues 1388-1408): WLKKITGKDI[His1398Leu]DTASSVARGL